The following is an entry in ClinVar:

ClinVar aggregate classification (germline): Likely benign. Review status: criteria provided, single submitter (1 of 4 stars). 2 submissions from 2 submitters: Likely benign (1). 1 of the submissions does not count toward it. Last evaluated 2026-02-03.

Conditions:
IGF1R-related disorder. Also called: IGF1R-related condition.

Allele frequency attached by ClinVar (database versions not stated): gnomAD exomes 0.00003; TOPMed 0.00001; ExAC 0.00003; gnomAD 0.00003.
gnomAD v4.1: 44 of 1,613,762 alleles (0.0027%); highest among the groups gnomAD compares: Non-Finnish European, 0.0032%; no homozygotes.

Submissions (2):

Labcorp Genetics (formerly Invitae), Labcorp
Classification: Likely benign. Last evaluated: 2026-02-03. Review status: criteria provided, single submitter. Criteria: Invitae Variant Classification Sherloc (09022015). Collection method: clinical testing. Allele origin: germline.

PreventionGenetics, part of Exact Sciences
Classification: Likely benign for IGF1R-related condition. Last evaluated: 2019-05-21. Review status: no assertion criteria provided. Collection method: clinical testing. Allele origin: germline. Not counted in ClinVar's aggregate classification.
Comment: This variant is classified as likely benign based on ACMG/AMP sequence variant interpretation guidelines (Richards et al. 2015 PMID: 25741868, with internal and published modifications).

NM_000875.5(IGF1R):c.1446C>T (p.Asn482=)

Gene: IGF1R (insulin like growth factor 1 receptor; plus strand). Cytogenetic location: 15q26.3.
Variant type: single nucleotide variant.
Coding change: c.1446C>T on transcript NM_000875.5 (MANE Select); coding-DNA position 1446, C replaced by T.
Protein change: p.Asn482=; no amino-acid change (asparagine 482 retained).
Molecular consequence: synonymous variant.
Genome position (GRCh38, 1-based): chr15:98,908,883, C>T. VCF-style: chr15-98908883-C-T. GRCh37 (hg19) VCF-style: chr15-99452112-C-T.
Other names: c.1446C>T, p.Asn482= (NM_001291858.2).
Identifiers: ClinVar variation 3038826 (VCV003038826.4), dbSNP rs537098180, ClinGen allele CA7752084.